The following is an entry in ClinVar:

ClinVar aggregate classification (germline): Uncertain significance (1 of 4 stars; one submission).

Submission:

Laboratorio de Genetica e Diagnostico Molecular, Hospital Israelita Albert Einstein
Classification: Uncertain significance. Last evaluated: 2019-10-22. Review status: criteria provided, single submitter. Criteria: ACMG Guidelines, 2015. Collection method: clinical testing. Allele origin: germline. Affected: yes.
Comment: ACMG classification criteria: PM2

NM_021956.5(GRIK2):c.1793A>C (p.Asp598Ala)

Gene: GRIK2 (glutamate ionotropic receptor kainate type subunit 2; plus strand). Cytogenetic location: 6q16.3.
Variant type: single nucleotide variant.
Coding change: c.1793A>C on transcript NM_021956.5 (MANE Select); coding-DNA position 1793, A replaced by C.
Protein change: p.Asp598Ala; replaces aspartic acid 598 with alanine.
Molecular consequence: missense variant.
Genome position (GRCh38, 1-based): chr6:101,924,645, A>C. VCF-style: chr6-101924645-A-C. GRCh37 (hg19) VCF-style: chr6-102372520-A-C.
Other names: c.1793A>C, p.Asp598Ala (NM_001166247.1, NM_175768.3); short protein forms D598A.
Identifiers: ClinVar variation 1690719 (VCV001690719.2), dbSNP rs2128470350, ClinGen allele CA365311134.